The following is an entry in ClinVar:

ClinVar aggregate classification (germline): Likely pathogenic (1 of 4 stars; one submission).

Conditions:
Developmental and epileptic encephalopathy, 23 (DEE23). Also called: Epileptic encephalopathy, early infantile, 23. Identifiers: Orphanet 411986, MedGen C4014492, MONDO:0014371, OMIM 615859.

Submission:

Juno Genomics, Hangzhou Juno Genomics, Inc
Classification: Likely pathogenic for Developmental and epileptic encephalopathy, 23. Review status: criteria provided, single submitter. Criteria: ACMG Guidelines, 2015. Collection method: clinical testing. Allele origin: germline. Affected: yes.
Comment: Absent from controls (or at extremely low frequency if recessive) in Genome Aggregation Database, Exome Sequencing Project, 1000 Genomes Project, or Exome Aggregation Consortium.;Null variant in a gene where loss of function (LOF) is a known mechanism of disease.

NM_001367561.1(DOCK7):c.953_959dup (p.Ala321fs)

Gene: DOCK7 (dedicator of cytokinesis 7; minus strand). Cytogenetic location: 1p31.3.
Variant type: Duplication.
Coding change: c.953_959dup on transcript NM_001367561.1 (MANE Select); coding-DNA positions 953 to 959, 7 bases duplicated (CACCTGC; older notation c.953_959dupCACCTGC).
Protein change: p.Ala321fs; shifts the reading frame from alanine 321.
Molecular consequence: frameshift variant.
Genome position (GRCh38, 1-based): chr1:62,634,849-62,634,855, GCAGGTG duplicated on the plus strand (CACCTGC on the coding strand, the reverse complement: DOCK7 is on the minus strand); duplicating any 7 consecutive bases within chr1:62,634,849-62,634,856 gives the same sequence; the c. name uses the placement nearest the transcript's 3' end. VCF-style (leftmost placement, unchanged base first): chr1-62634848-A-AGCAGGTG. GRCh37 (hg19) VCF-style: chr1-63100519-A-AGCAGGTG.
Other names: c.953_959dup, p.Ala321fs (NM_001271999.2, NM_001272000.2, NM_001272001.2 and 3 more transcripts); short protein forms A321fs.
Identifiers: ClinVar variation 3382435 (VCV003382435.2).